The following is an entry in ClinVar:

ClinVar aggregate classification (germline): Benign/Likely benign. Review status: criteria provided, multiple submitters, no conflicts (2 of 4 stars). 14 submissions from 13 submitters: Benign (9); Likely benign (2). 3 of the submissions do not count toward it. Last evaluated 2026-08-01.

Conditions:
Adams-Oliver syndrome 5 (AOS5). Identifiers: Orphanet 974, MedGen C4014970, MONDO:0014459, OMIM 616028.
Familial thoracic aortic aneurysm and aortic dissection (TAAD). Also called: Thoracic aortic aneurysms and dissections. Identifiers: Orphanet 91387, MedGen C4707243, MONDO:0019625.
Aortic valve disease 1 (AOVD1). Identifiers: MedGen C3887892, MONDO:0024523, OMIM 109730.

Allele frequency attached by ClinVar (database versions not stated): 1000 Genomes Project 0.00140; 1000 Genomes Project 30x 0.00156; ESP Exome Variant Server 0.00271; gnomAD 0.00338 and 0.00343; gnomAD exomes 0.00344; TOPMed 0.00368; ExAC 0.00545.
gnomAD v4.1: 8,391 of 1,562,560 alleles (0.54%); highest among the groups gnomAD compares: Middle Eastern, 0.93%; 37 homozygotes.

Submissions (14):

CeGaT Center for Human Genetics Tuebingen
Classification: Likely benign. Last evaluated: 2026-08-01. Review status: criteria provided, single submitter. Criteria: CeGaT Center For Human Genetics Tuebingen Variant Classification Criteria Version 2. Collection method: clinical testing. Allele origin: germline. Affected: yes. Observed: 15 variant alleles.
Comment: NOTCH1: BS2

Labcorp Genetics (formerly Invitae), Labcorp
Classification: Benign for Adams-Oliver syndrome 5. Last evaluated: 2026-02-04. Review status: criteria provided, single submitter. Criteria: Invitae Variant Classification Sherloc (09022015). Collection method: clinical testing. Allele origin: germline.

ARUP Laboratories, Molecular Genetics and Genomics, ARUP Laboratories
Classification: Benign. Last evaluated: 2025-07-29. Review status: criteria provided, single submitter. Criteria: ARUP Molecular Germline Variant Investigation Process 2024. Collection method: clinical testing. Allele origin: germline.

Mayo Clinic Laboratories, Mayo Clinic
Classification: Benign. Last evaluated: 2025-05-16. Review status: criteria provided, single submitter. Criteria: ACMG Guidelines, 2015. Collection method: clinical testing. Allele origin: germline. Observed: 14 variant alleles.
Comment: BS1, BS2, BP4, BP7

Blueprint Genetics
Classification: Likely benign. Last evaluated: 2024-11-19. Review status: criteria provided, single submitter. Criteria: ACMG Guidelines, 2015. Collection method: clinical testing. Allele origin: germline.

Women's Health and Genetics/Laboratory Corporation of America, LabCorp
Classification: Benign. Last evaluated: 2023-07-21. Review status: criteria provided, single submitter. Criteria: LabCorp Variant Classification Summary - May 2015. Collection method: clinical testing. Allele origin: germline.

Genome-Nilou Lab
Classification: Benign for Adams-Oliver syndrome 5. Last evaluated: 2022-03-15. Review status: criteria provided, single submitter. Criteria: ACMG Guidelines, 2015. Collection method: clinical testing. Allele origin: germline. Affected: no.

Genome-Nilou Lab
Classification: Benign for Aortic valve disease 1. Last evaluated: 2022-03-15. Review status: criteria provided, single submitter. Criteria: ACMG Guidelines, 2015. Collection method: clinical testing. Allele origin: germline. Affected: no.

GeneDx
Classification: Benign. Last evaluated: 2020-04-17. Review status: criteria provided, single submitter. Criteria: GeneDx Variant Classification Process June 2021. Collection method: clinical testing. Allele origin: germline. Affected: yes.

CHEO Genetics Diagnostic Laboratory, Children's Hospital of Eastern Ontario
Classification: Benign for Familial thoracic aortic aneurysm and aortic dissection. Last evaluated: 2017-11-27. Review status: criteria provided, single submitter. Criteria: ACMG Guidelines, 2015. Collection method: clinical testing. Allele origin: germline.

Breakthrough Genomics
Classification: Benign. Review status: criteria provided, single submitter. Criteria: ACMG Guidelines, 2015. Collection method: not provided. Allele origin: germline. Inheritance: Autosomal dominant inheritance. Affected: yes.

Clinical Genetics DNA and cytogenetics Diagnostics Lab, Erasmus MC, Erasmus Medical Center
Classification: Likely benign. Review status: no assertion criteria provided. Collection method: clinical testing. Allele origin: germline. Affected: yes. Study: VKGL Data-share Consensus. Not counted in ClinVar's aggregate classification.

Genome Diagnostics Laboratory, Amsterdam University Medical Center
Classification: Benign. Review status: no assertion criteria provided. Collection method: clinical testing. Allele origin: germline. Affected: yes. Study: VKGL Data-share Consensus. Not counted in ClinVar's aggregate classification.

Joint Genome Diagnostic Labs from Nijmegen and Maastricht, Radboudumc and MUMC+
Classification: Likely benign. Review status: no assertion criteria provided. Collection method: clinical testing. Allele origin: germline. Affected: yes. Study: VKGL Data-share Consensus. Not counted in ClinVar's aggregate classification.

Literature cited by the submitters: PubMed 16614245 (cited by Women's Health and Genetics/Laboratory Corporation of America, LabCorp); PubMed 19635999 (cited by Women's Health and Genetics/Laboratory Corporation of America, LabCorp); PubMed 19245433 (cited by Women's Health and Genetics/Laboratory Corporation of America, LabCorp); PubMed 22858860 (cited by Women's Health and Genetics/Laboratory Corporation of America, LabCorp).

NM_017617.5(NOTCH1):c.2207+10G>A

Gene: NOTCH1 (notch receptor 1; minus strand). Cytogenetic location: 9q34.3.
Variant type: single nucleotide variant.
Coding change: c.2207+10G>A on transcript NM_017617.5 (MANE Select); 10 bases into the intron after coding-DNA position 2207, G replaced by A.
Molecular consequence: intron variant.
Genome position (GRCh38, 1-based): chr9:136,514,500, C>T on the plus strand (G>A on the coding strand, the complement: NOTCH1 is on the minus strand). VCF-style: chr9-136514500-C-T. GRCh37 (hg19) VCF-style: chr9-139408952-C-T.
Other names: p.?; c.2207+10G>A (NM_017617.4, LRG_1122t1).
Identifiers: ClinVar variation 241123 (VCV000241123.50), dbSNP rs191892426, ClinGen allele CA5341454.
Genomic context (GRCh38, chr9:136,514,500, plus strand): 5'-CCACCCTCCTGGCAGCAGAGCTCCCAGGGTTTAGGACTGATGTGTCCCCATGATCGGCCC[C>T]GCCGCATACCCGTTGAGGCTGTCCCGGCAGGCCCCGTGGACGCAGGGGTTGCTGTTGCAC-3'